The following is an entry in ClinVar:

ClinVar aggregate classification (germline): Uncertain significance. Review status: criteria provided, multiple submitters, no conflicts (2 of 4 stars). 4 submissions from 4 submitters: Uncertain significance (4). Last evaluated 2024-03-06.

Conditions:
Ataxia-telangiectasia-like disorder (ATLD). Identifiers: MedGen C1858391, MONDO:0011457.
Ataxia-telangiectasia-like disorder 1 (ATLD1). Identifiers: Orphanet 251347, MedGen C4012790, MONDO:0024557, OMIM 604391.
Hereditary cancer-predisposing syndrome. Also called: Hereditary Cancer Syndrome; Neoplastic Syndromes, Hereditary; Tumor predisposition; Hereditary neoplastic syndrome. Identifiers: Orphanet 140162, MedGen C0027672, MeSH D009386, MONDO:0015356.

Allele frequency attached by ClinVar (database versions not stated): gnomAD exomes below 0.00001; gnomAD 0.00001 and 0.00002; ExAC 0.00002; 1000 Genomes Project 30x 0.00016; 1000 Genomes Project 0.00020.
gnomAD v4.1: 5 of 1,613,760 alleles (0.00031%); highest among the groups gnomAD compares: Admixed American, 0.0067%; no homozygotes.

Submissions (4):

Baylor Genetics
Classification: Uncertain significance for Ataxia-telangiectasia-like disorder 1. Last evaluated: 2024-03-06. Review status: criteria provided, single submitter. Criteria: ACMG Guidelines, 2015. Collection method: clinical testing. Allele origin: unknown.

Ambry Genetics
Classification: Uncertain significance for Hereditary cancer-predisposing syndrome. Last evaluated: 2024-02-21. Review status: criteria provided, single submitter. Criteria: Ambry Variant Classification Scheme 2023. Collection method: clinical testing. Allele origin: germline.

Quest Diagnostics Nichols Institute San Juan Capistrano
Classification: Uncertain significance. Last evaluated: 2024-02-02. Review status: criteria provided, single submitter. Criteria: Quest Diagnostics criteria. Collection method: clinical testing. Allele origin: unknown.

Labcorp Genetics (formerly Invitae), Labcorp
Classification: Uncertain significance for Ataxia-telangiectasia-like disorder. Last evaluated: 2023-09-15. Review status: criteria provided, single submitter. Criteria: Invitae Variant Classification Sherloc (09022015). Collection method: clinical testing. Allele origin: germline.
Comment: This sequence change replaces threonine, which is neutral and polar, with asparagine, which is neutral and polar, at codon 74 of the MRE11 protein (p.Thr74Asn). This variant is present in population databases (rs201054129, gnomAD 0.006%). In summary, the available evidence is currently insufficient to determine the role of this variant in disease. Therefore, it has been classified as a Variant of Uncertain Significance. Algorithms developed to predict the effect of missense changes on protein structure and function output the following: SIFT: "Not Available"; PolyPhen-2: "Benign"; Align-GVGD: "Not Available". The asparagine amino acid residue is found in multiple mammalian species, which suggests that this missense change does not adversely affect protein function. ClinVar contains an entry for this variant (Variation ID: 479746). This variant has not been reported in the literature in individuals affected with MRE11-related conditions.

Literature cited by the submitters: PubMed 32658311 (cited by Quest Diagnostics Nichols Institute San Juan Capistrano).

NM_005591.4(MRE11):c.221C>A (p.Thr74Asn)

Gene: MRE11 (MRE11 double strand break repair nuclease; minus strand). Cytogenetic location: 11q21.
Variant type: single nucleotide variant.
Coding change: c.221C>A on transcript NM_005591.4 (MANE Select); coding-DNA position 221, C replaced by A.
Protein change: p.Thr74Asn; replaces threonine 74 with asparagine.
Molecular consequence: missense variant.
Genome position (GRCh38, 1-based): chr11:94,486,017, G>T on the plus strand (C>A on the coding strand, the complement: MRE11 is on the minus strand). VCF-style: chr11-94486017-G-T. GRCh37 (hg19) VCF-style: chr11-94219183-G-T.
Other names: c.221C>A, p.Thr74Asn (NM_001330347.2, NM_005590.4); short protein forms T74N.
Identifiers: ClinVar variation 479746 (VCV000479746.10), dbSNP rs201054129, ClinGen allele CA6235441.
Genomic context (GRCh38, chr11:94,486,017, plus strand): 5'-AGAATTTCAAACTGGACAGGCCGATCACCCATACAATATTTTCTTAATAACTCGAGGCAG[G>T]TATGTAATGTTTTCCTTGAGGGCTTATTTTCATGAAAAAGATCACCACCTAACAAAATAA-3'
Protein context (NP_005582.1, residues 64-84): ENKPSRKTLH[Thr74Asn]CLELLRKYCM